The following is an entry in ClinVar:

NM_001256317.3(TMPRSS3):c.-131G>C

Gene: TMPRSS3 (transmembrane serine protease 3; minus strand). Cytogenetic location: 21q22.3.
Variant type: single nucleotide variant.
Coding change: c.-131G>C on transcript NM_001256317.3 (MANE Select); 131 bases upstream of the start codon, G replaced by C.
Molecular consequence: 5 prime UTR variant.
Genome position (GRCh38, 1-based): chr21:42,396,021, C>G on the plus strand (G>C on the coding strand, the complement: TMPRSS3 is on the minus strand). VCF-style: chr21-42396021-C-G. GRCh37 (hg19) VCF-style: chr21-43816130-C-G.
Other names: c.-131G>C (NM_024022.4, NM_032405.2).
Identifiers: ClinVar variation 340065 (VCV000340065.33), dbSNP rs56369547, ClinGen allele CA10042840.

ClinVar aggregate classification (germline): Conflicting classifications of pathogenicity. Review status: criteria provided, conflicting classifications (1 of 4 stars). 2 submissions from 2 submitters: Uncertain significance (1); Likely benign (1). Last evaluated 2023-01-01.

Conditions:
Autosomal recessive nonsyndromic hearing loss 8 (DFNB8). Also called: NEUROSENSORY NONSYNDROMIC RECESSIVE DEAFNESS 8; Deafness, autosomal recessive 10. Identifiers: Orphanet 90636, MedGen C1832827, MONDO:0010987, OMIM 601072.

Allele frequency attached by ClinVar (database versions not stated): 1000 Genomes Project 30x 0.00312; 1000 Genomes Project 0.00319; TOPMed 0.00599; ESP Exome Variant Server 0.00645.
gnomAD v4.1: 3,752 of 519,004 alleles (0.72%); highest among the groups gnomAD compares: Non-Finnish European, 1%; 22 homozygotes.

Submissions (2):

CeGaT Center for Human Genetics Tuebingen
Classification: Likely benign. Last evaluated: 2023-01-01. Review status: criteria provided, single submitter. Criteria: CeGaT Center For Human Genetics Tuebingen Variant Classification Criteria Version 2. Collection method: clinical testing. Allele origin: germline. Affected: yes. Observed: 3 variant alleles.
Comment: TMPRSS3: BS2

Illumina Laboratory Services, Illumina
Classification: Uncertain significance for Autosomal recessive nonsyndromic hearing loss 8. Last evaluated: 2018-01-12. Review status: criteria provided, single submitter. Criteria: ICSL Variant Classification Criteria 13 December 2019. Collection method: clinical testing. Allele origin: germline.